The following is an entry in ClinVar:

NM_022041.4(GAN):c.159G>C (p.Pro53=)

Genes: GAN (gigaxonin; plus strand), LOC130059498 (ATAC-STARR-seq lymphoblastoid silent region 7753; plus strand). Cytogenetic location: 16q23.2.
Variant type: single nucleotide variant.
Coding change: c.159G>C on transcript NM_022041.4 (MANE Select); coding-DNA position 159, G replaced by C.
Protein change: p.Pro53=; no amino-acid change (proline 53 retained).
Molecular consequence: synonymous variant. On other transcripts: 5 prime UTR variant (1).
Genome position (GRCh38, 1-based): chr16:81,315,272, G>C. VCF-style: chr16-81315272-G-C. GRCh37 (hg19) VCF-style: chr16-81348877-G-C.
Other names: c.-366G>C (NM_001377486.1).
Identifiers: ClinVar variation 3905339 (VCV003905339.10).
Genomic context (GRCh38, chr16:81,315,272, plus strand): 5'-CCTGGTCCTCGACGGGGAGGAGATCCCGGTGCAGAAGAACATCCTGGCGGCGGCCAGCCC[G>C]TACATCAGGTGGGGAGGGGGCTACGGCGGGCGGGCGCGGCGGTGCTGCCCGGAGCCGGAG-3'
Protein context (NP_071324.1, residues 43-63): VQKNILAAAS[Pro53=]YIRTKLNYNP

ClinVar aggregate classification (germline): Likely benign (1 of 4 stars; one submission).

gnomAD v4.1: 2 of 1,557,422 alleles (0.00013%); highest among the groups gnomAD compares: Middle Eastern, 0.017%; no homozygotes.

Submission:

CeGaT Center for Human Genetics Tuebingen
Classification: Likely benign. Last evaluated: 2025-05-01. Review status: criteria provided, single submitter. Criteria: CeGaT Center For Human Genetics Tuebingen Variant Classification Criteria Version 2. Collection method: clinical testing. Allele origin: germline. Affected: yes. Observed: 1 variant allele.
Comment: GAN: BP4, BP7